The following is an entry in ClinVar:

ClinVar aggregate classification (germline): Uncertain significance (1 of 4 stars; one submission).

Conditions:
Myofibrillar myopathy 5. Also called: FILAMINOPATHY, AUTOSOMAL DOMINANT; Filaminopathy (type). Identifiers: Orphanet 171445, MedGen C1836050, MONDO:0012289, OMIM 609524.
Hypertrophic cardiomyopathy 26. Also called: Cardiomyopathy, familial hypertrophic, 26. Identifiers: Orphanet 75249, MedGen C4310749, MONDO:0014883, OMIM 617047.
Distal myopathy with posterior leg and anterior hand involvement. Also called: WILLIAMS DISTAL MYOPATHY. Identifiers: Orphanet 63273, MedGen C3279722, MONDO:0013550, OMIM 614065.

Allele frequency attached by ClinVar (database versions not stated): gnomAD exomes below 0.00001.
gnomAD v4.1: 3 of 1,613,730 alleles (0.00019%); highest among the groups gnomAD compares: African/African-American, 0.0013%; no homozygotes.

Submission:

Labcorp Genetics (formerly Invitae), Labcorp
Classification: Uncertain significance for Distal myopathy with posterior leg and anterior hand involvement; Myofibrillar myopathy 5; Hypertrophic cardiomyopathy 26. Last evaluated: 2022-05-12. Review status: criteria provided, single submitter. Criteria: Invitae Variant Classification Sherloc (09022015). Collection method: clinical testing. Allele origin: germline.
Comment: In summary, the available evidence is currently insufficient to determine the role of this variant in disease. Therefore, it has been classified as a Variant of Uncertain Significance. Variants that disrupt the consensus splice site are a relatively common cause of aberrant splicing (PMID: 17576681, 9536098). Algorithms developed to predict the effect of sequence changes on RNA splicing suggest that this variant is not likely to affect RNA splicing. This variant has not been reported in the literature in individuals affected with FLNC-related conditions. This variant is not present in population databases (gnomAD no frequency). This sequence change falls in intron 35 of the FLNC gene. It does not directly change the encoded amino acid sequence of the FLNC protein. It affects a nucleotide within the consensus splice site.

Literature cited by the submitters: PubMed 17576681; PubMed 9536098.

NM_001458.5(FLNC):c.5842+3G>A

Genes: FLNC (filamin C; plus strand), FLNC-AS1 (FLNC antisense RNA 1; minus strand). Cytogenetic location: 7q32.1.
Variant type: single nucleotide variant.
Coding change: c.5842+3G>A on transcript NM_001458.5 (MANE Select); 3 bases into the intron after coding-DNA position 5842, G replaced by A.
Molecular consequence: intron variant.
Genome position (GRCh38, 1-based): chr7:128,851,631, G>A. VCF-style: chr7-128851631-G-A. GRCh37 (hg19) VCF-style: chr7-128491685-G-A.
Other names: c.5743+3G>A (NM_001127487.2).
Identifiers: ClinVar variation 1429659 (VCV001429659.6), dbSNP rs2128938504, ClinGen allele CA2573141641.